The following is an entry in ClinVar:

NM_001042492.3(NF1):c.5950A>C (p.Asn1984His)

Gene: NF1 (neurofibromin 1; plus strand). Cytogenetic location: 17q11.2.
Variant type: single nucleotide variant.
Coding change: c.5950A>C on transcript NM_001042492.3 (MANE Select); coding-DNA position 5950, A replaced by C.
Protein change: p.Asn1984His; replaces asparagine 1984 with histidine.
Molecular consequence: missense variant.
Genome position (GRCh38, 1-based): chr17:31,334,975, A>C. VCF-style: chr17-31334975-A-C. GRCh37 (hg19) VCF-style: chr17-29661993-A-C.
Other names: c.5887A>C, p.Asn1963His (NM_000267.4); short protein forms N1963H, N1984H.
Identifiers: ClinVar variation 5025652 (VCV005025652.1).

ClinVar aggregate classification (germline): Uncertain significance (1 of 4 stars; one submission).

Conditions:
Cardiovascular phenotype. Identifiers: MedGen CN230736.
Hereditary cancer-predisposing syndrome. Also called: Neoplastic Syndromes, Hereditary; Tumor predisposition; Hereditary neoplastic syndrome; Hereditary Cancer Syndrome. Identifiers: Orphanet 140162, MedGen C0027672, MeSH D009386, MONDO:0015356.

Submission:

Ambry Genetics
Classification: Uncertain significance for Cardiovascular phenotype; Hereditary cancer-predisposing syndrome. Last evaluated: 2026-09-05. Review status: criteria provided, single submitter. Criteria: Ambry Variant Classification Scheme 2023. Collection method: clinical testing. Allele origin: germline.
Comment: The p.N1963H variant (also known as c.5887A>C), located in coding exon 39 of the NF1 gene, results from an A to C substitution at nucleotide position 5887. The asparagine at codon 1963 is replaced by histidine, an amino acid with similar properties. This amino acid position is conserved. In addition, the in silico prediction for this alteration is inconclusive. Based on the available evidence, the clinical significance of this variant remains unclear.